The following is an entry in ClinVar:

NM_020163.3(SEMA3G):c.2072A>C (p.Glu691Ala)

Gene: SEMA3G (semaphorin 3G; minus strand). Cytogenetic location: 3p21.1.
Variant type: single nucleotide variant.
Coding change: c.2072A>C on transcript NM_020163.3 (MANE Select); coding-DNA position 2072, A replaced by C.
Protein change: p.Glu691Ala; replaces glutamic acid 691 with alanine.
Molecular consequence: missense variant.
Genome position (GRCh38, 1-based): chr3:52,435,880, T>G on the plus strand (A>C on the coding strand, the complement: SEMA3G is on the minus strand). VCF-style: chr3-52435880-T-G. GRCh37 (hg19) VCF-style: chr3-52469896-T-G.
Other names: short protein forms E691A.
Identifiers: ClinVar variation 4986293 (VCV004986293.1).

ClinVar aggregate classification (germline): Uncertain significance (1 of 4 stars; one submission).

Conditions:
SEMA3G-related disorder. Also called: SEMA3G-related condition.

gnomAD v4.1: 26 of 1,613,918 alleles (0.0016%); highest among the groups gnomAD compares: Non-Finnish European, 0.0022%; no homozygotes.

Submission:

PreventionGenetics, part of Exact Sciences
Classification: Uncertain significance for SEMA3G-related condition. Last evaluated: 2025-05-31. Review status: criteria provided, single submitter. Criteria: ACMG Guidelines, 2015. Collection method: clinical testing. Allele origin: germline.
Comment: The SEMA3G c.2072A>C variant is predicted to result in the amino acid substitution p.Glu691Ala. To our knowledge, this variant has not been reported in the literature. This variant is reported in 0.00088% of alleles in individuals of European (Non-Finnish) descent in gnomAD. At this time, the clinical significance of this variant is uncertain due to the absence of conclusive functional and genetic evidence.